The following is an entry in ClinVar:

ClinVar aggregate classification (germline): Uncertain significance (1 of 4 stars; one submission).

Submission:

Labcorp Genetics (formerly Invitae), Labcorp
Classification: Uncertain significance. Last evaluated: 2021-11-02. Review status: criteria provided, single submitter. Criteria: Invitae Variant Classification Sherloc (09022015). Collection method: clinical testing. Allele origin: germline.
Comment: In summary, the available evidence is currently insufficient to determine the role of this variant in disease. Therefore, it has been classified as a Variant of Uncertain Significance. Algorithms developed to predict the effect of missense changes on protein structure and function are either unavailable or do not agree on the potential impact of this missense change (SIFT: "Deleterious"; PolyPhen-2: "Benign"; Align-GVGD: "Class C0"). This variant has not been reported in the literature in individuals affected with DSCAML1-related conditions. This variant is present in population databases (rs769935664, gnomAD 0.01%). This sequence change replaces asparagine, which is neutral and polar, with lysine, which is basic and polar, at codon 517 of the DSCAML1 protein (p.Asn517Lys).

NM_020693.4(DSCAML1):c.1371C>G (p.Asn457Lys)

Gene: DSCAML1 (DS cell adhesion molecule like 1; minus strand). Cytogenetic location: 11q23.3.
Variant type: single nucleotide variant.
Coding change: c.1371C>G on transcript NM_020693.4 (MANE Select); coding-DNA position 1371, C replaced by G.
Protein change: p.Asn457Lys; replaces asparagine 457 with lysine.
Molecular consequence: missense variant.
Genome position (GRCh38, 1-based): chr11:117,518,605, G>C on the plus strand (C>G on the coding strand, the complement: DSCAML1 is on the minus strand). VCF-style: chr11-117518605-G-C. GRCh37 (hg19) VCF-style: chr11-117389320-G-C.
Other names: c.1371C>G, p.Asn457Lys (NM_001367904.1); c.963C>G, p.Asn321Lys (NM_001367905.1); short protein forms N321K, N457K.
Identifiers: ClinVar variation 1475989 (VCV001475989.6), dbSNP rs769935664, ClinGen allele CA6297279.
Genomic context (GRCh38, chr11:117,518,605, plus strand): 5'-GATCTGGGGGCCTGTGACGTTCATGTGGCTGATGGTGGTGCCGTCCGACATGGTGTACTG[G>C]TTGGTGCGGTGGCTGCCATCCCGCACGATGGGCTCATCGTCGAGGGCCCAGGTGACCGTG-3'
Protein context (NP_065744.3, residues 447-467): PIVRDGSHRT[Asn457Lys]QYTMSDGTTI